The following is an entry in ClinVar:

NM_013247.5(HTRA2):c.1078C>T (p.Arg360Cys)

Gene: HTRA2 (HtrA serine peptidase 2; plus strand). Cytogenetic location: 2p13.1.
Variant type: single nucleotide variant.
Coding change: c.1078C>T on transcript NM_013247.5 (MANE Select); coding-DNA position 1078, C replaced by T.
Protein change: p.Arg360Cys; replaces arginine 360 with cysteine.
Molecular consequence: missense variant. On other transcripts: non-coding transcript variant (4).
Genome position (GRCh38, 1-based): chr2:74,531,888, C>T. VCF-style: chr2-74531888-C-T. GRCh37 (hg19) VCF-style: chr2-74759015-C-T.
Other names: c.1108C>T, p.Arg370Cys (NM_001321727.1); c.1078C>T, p.Arg360Cys (NM_001321728.1); c.883C>T, p.Arg295Cys (NM_145074.2); short protein forms R295C, R360C, R370C.
Identifiers: ClinVar variation 2178639 (VCV002178639.2), dbSNP rs916638720, ClinGen allele CA50488359.

ClinVar aggregate classification (germline): Uncertain significance. Review status: criteria provided, multiple submitters, no conflicts (2 of 4 stars). 2 submissions from 2 submitters: Uncertain significance (2). Last evaluated 2024-07-27.

Conditions:
Inborn genetic diseases. Identifiers: MedGen C0950123, MeSH D030342.

Allele frequency attached by ClinVar (database versions not stated): gnomAD exomes 0.00001.
gnomAD v4.1: 14 of 1,614,028 alleles (0.00087%); highest among the groups gnomAD compares: East Asian, 0.0045%; no homozygotes.

Submissions (2):

Ambry Genetics
Classification: Uncertain significance for Inborn genetic diseases. Last evaluated: 2024-07-27. Review status: criteria provided, single submitter. Criteria: Ambry Variant Classification Scheme 2023. Collection method: clinical testing. Allele origin: germline.

Labcorp Genetics (formerly Invitae), Labcorp
Classification: Uncertain significance. Last evaluated: 2022-02-12. Review status: criteria provided, single submitter. Criteria: Invitae Variant Classification Sherloc (09022015). Collection method: clinical testing. Allele origin: germline.
Comment: This sequence change replaces arginine, which is basic and polar, with cysteine, which is neutral and slightly polar, at codon 360 of the HTRA2 protein (p.Arg360Cys). This variant is present in population databases (no rsID available, gnomAD 0.006%). This variant has not been reported in the literature in individuals affected with HTRA2-related conditions. Algorithms developed to predict the effect of missense changes on protein structure and function output the following: SIFT: "Deleterious"; PolyPhen-2: "Benign"; Align-GVGD: "Class C55". The cysteine amino acid residue is found in multiple mammalian species, which suggests that this missense change does not adversely affect protein function. In summary, the available evidence is currently insufficient to determine the role of this variant in disease. Therefore, it has been classified as a Variant of Uncertain Significance.